The following is an entry in ClinVar:

NM_003482.4(KMT2D):c.955-10C>T

Gene: KMT2D (lysine methyltransferase 2D; minus strand). Cytogenetic location: 12q13.12.
Variant type: single nucleotide variant.
Coding change: c.955-10C>T on transcript NM_003482.4 (MANE Select); 10 bases into the intron before coding-DNA position 955, C replaced by T.
Molecular consequence: intron variant.
Genome position (GRCh38, 1-based): chr12:49,053,082, G>A on the plus strand (C>T on the coding strand, the complement: KMT2D is on the minus strand). VCF-style: chr12-49053082-G-A. GRCh37 (hg19) VCF-style: chr12-49446865-G-A.
Other names: c.955-10C>T (NM_003482.3).
Identifiers: ClinVar variation 1970893 (VCV001970893.6), dbSNP rs768998104, ClinGen allele CA6548613.

ClinVar aggregate classification (germline): Likely benign. Review status: criteria provided, single submitter (1 of 4 stars). 2 submissions from 2 submitters: Likely benign (1). 1 of the submissions does not count toward it. Last evaluated 2025-10-18.

Conditions:
Kabuki syndrome. Also called: NIIKAWA-KUROKI SYNDROME; Kabuki make-up syndrome. Identifiers: Orphanet 2322, MedGen C0796004, MONDO:0016512.
KMT2D-related disorder. Also called: KMT2D-Related Disorders.

Allele frequency attached by ClinVar (database versions not stated): gnomAD exomes below 0.00001; TOPMed below 0.00001; ExAC 0.00001; gnomAD 0.00001.
gnomAD v4.1: 4 of 1,613,900 alleles (0.00025%); highest among the groups gnomAD compares: Admixed American, 0.0033%; no homozygotes.

Submissions (2):

Labcorp Genetics (formerly Invitae), Labcorp
Classification: Likely benign for Kabuki syndrome. Last evaluated: 2025-10-18. Review status: criteria provided, single submitter. Criteria: Invitae Variant Classification Sherloc (09022015). Collection method: clinical testing. Allele origin: germline.

PreventionGenetics, part of Exact Sciences
Classification: Likely benign for KMT2D-related condition. Last evaluated: 2024-08-16. Review status: no assertion criteria provided. Collection method: clinical testing. Allele origin: germline. Not counted in ClinVar's aggregate classification.
Comment: This variant is classified as likely benign based on ACMG/AMP sequence variant interpretation guidelines (Richards et al. 2015 PMID: 25741868, with internal and published modifications).